The following is an entry in ClinVar:

ClinVar aggregate classification (germline): Likely benign. Review status: criteria provided, multiple submitters, no conflicts (2 of 4 stars). 3 submissions from 3 submitters: Likely benign (3). Last evaluated 2026-07-20.

Conditions:
PCSK9-related disorder. Also called: PCSK9-related disorders; PCSK9-related condition.
Hypercholesterolemia, autosomal dominant, 3 (FHCL3). Also called: Familial Hypercholesterolemia, Autosomal Dominant, 3; PCSK9-Related Familial Hypercholesterolemia, Autosomal Dominant; Familial hypercholesterolemia 3. Identifiers: MedGen C1863551, MONDO:0011369, OMIM 603776.
Familial hypercholesterolemia. Also called: Familial hypercholesterolemias; Familial hypercholesterolaemia. Identifiers: MedGen C0020445, MONDO:0005439.

Allele frequency attached by ClinVar (database versions not stated): gnomAD exomes below 0.00001; TOPMed below 0.00001; gnomAD 0.00001.
gnomAD v4.1: 3 of 1,613,880 alleles (0.00019%); highest among the groups gnomAD compares: South Asian, 0.0011%; no homozygotes.

Submissions (3):

PreventionGenetics, part of Exact Sciences
Classification: Likely benign for PCSK9-related condition. Last evaluated: 2026-07-20. Review status: criteria provided, single submitter. Criteria: ACMG Guidelines, 2015. Collection method: clinical testing. Allele origin: germline.
Comment: This variant is classified as likely benign based on ACMG/AMP sequence variant interpretation guidelines (Richards et al. 2015 PMID: 25741868, with internal and published modifications).

Labcorp Genetics (formerly Invitae), Labcorp
Classification: Likely benign for Hypercholesterolemia, autosomal dominant, 3. Last evaluated: 2019-06-29. Review status: criteria provided, single submitter. Criteria: Invitae Variant Classification Sherloc (09022015). Collection method: clinical testing. Allele origin: germline.

Color Diagnostics, LLC DBA Color Health
Classification: Likely benign for Familial hypercholesterolemia. Last evaluated: 2019-01-20. Review status: criteria provided, single submitter. Criteria: ACMG Guidelines, 2015. Collection method: clinical testing. Allele origin: germline.

NM_174936.4(PCSK9):c.524-7T>C

Gene: PCSK9 (proprotein convertase subtilisin/kexin type 9; plus strand). Cytogenetic location: 1p32.3.
Variant type: single nucleotide variant.
Coding change: c.524-7T>C on transcript NM_174936.4 (MANE Select); 7 bases into the intron before coding-DNA position 524, T replaced by C.
Molecular consequence: intron variant.
Genome position (GRCh38, 1-based): chr1:55,052,271, T>C. VCF-style: chr1-55052271-T-C. GRCh37 (hg19) VCF-style: chr1-55517944-T-C.
Identifiers: ClinVar variation 919122 (VCV000919122.12), dbSNP rs1430039188, ClinGen allele CA737030355.